The following is an entry in ClinVar:

NM_001349338.3(FOXP1):c.1889+1G>T

Gene: FOXP1 (forkhead box P1; minus strand). Cytogenetic location: 3p13.
Variant type: single nucleotide variant.
Coding change: c.1889+1G>T on transcript NM_001349338.3 (MANE Select); the canonical splice donor site of the intron after coding-DNA position 1889, G replaced by T.
Molecular consequence: splice donor variant.
Genome position (GRCh38, 1-based): chr3:70,965,889, C>A on the plus strand (G>T on the coding strand, the complement: FOXP1 is on the minus strand). VCF-style: chr3-70965889-C-A. GRCh37 (hg19) VCF-style: chr3-71015040-C-A.
Other names: c.1937+1G>T (NM_001244810.2); c.1889+1G>T (NM_032682.6, NM_001349340.3, NM_001244816.2 and 1 more transcripts); c.1886+1G>T (NM_001349341.3, NM_001244808.3); c.1661+1G>T (NM_001244812.3); c.1586+1G>T (NM_001349343.3, NM_001349337.2, NM_001370548.1 and 1 more transcripts); c.1589+1G>T (NM_001349342.3, NM_001244815.2, NM_001244813.3).
Identifiers: ClinVar variation 489211 (VCV000489211.4), dbSNP rs1553656387, ClinGen allele CA353489308.
Genomic context (GRCh38, chr3:70,965,889, plus strand): 5'-TGCGTGTACCTAGGGAGACTAGGGTCAGATAGCAAAGACCTGTTGGGTGGACAATACTCA[C>A]ACGGCTTGCATAGGAGATCTGCCTGGACTGCTGTCACTCTCGTTGCTGTTGGTATGCTCC-3'

ClinVar aggregate classification (germline): Pathogenic (1 of 4 stars; one submission).

Submission:

GeneDx
Classification: Pathogenic. Last evaluated: 2019-09-06. Review status: criteria provided, single submitter. Criteria: GeneDx Variant Classification Process June 2021. Collection method: clinical testing. Allele origin: germline. Affected: yes.
Comment: Canonical splice site variant in a gene for which loss-of-function is a known mechanism of disease; Not observed in large population cohorts (Lek et al., 2016); Has not been previously published as pathogenic or benign to our knowledge